The following is an entry in ClinVar:

NM_022124.6(CDH23):c.4799ACC[1] (p.His1601del)

Gene: CDH23 (cadherin related 23; plus strand). Cytogenetic location: 10q22.1.
Variant type: Microsatellite.
Coding change: c.4799ACC[1] on transcript NM_022124.6 (MANE Select); one copy of the 3-base unit ACC starting at c.4799; the reference has two copies in a row; one copy, 3 bases deleted; also written c.4802_4804del.
Protein change: p.His1601del; deletes histidine 1601.
Genome position (GRCh38, 1-based): chr10:71,741,878-71,741,880, ACC deleted; deleting any 3 consecutive bases within chr10:71,741,875-71,741,880 gives the same sequence; the position shown is the placement nearest the transcript's 3' end. VCF-style (leftmost placement, unchanged base first): chr10-71741874-TACC-T. GRCh37 (hg19) VCF-style: chr10-73501631-TACC-T.
Other names: c.4802_4804del (NM_022124.6); short protein forms H1601del.
Identifiers: ClinVar variation 3372489 (VCV003372489.2).
Genomic context (GRCh38, chr10:71,741,874, plus strand): 5'-CGCATCAGCGGTGAGATCGCCACACGGCCTGCCCCGCCTGACCGCGAGCGCCAGAGCTTC[TACC>T]ACCTGGTGGCCACTGTGGAGGACGAGGGCACCCCAACCCTGTCGGTGAGCGATGGGGGTG-3'

ClinVar aggregate classification (germline): Conflicting classifications of pathogenicity. Review status: criteria provided, conflicting classifications (1 of 4 stars). 2 submissions from 2 submitters: Likely pathogenic (1); Uncertain significance (1). Last evaluated 2025-01-09.

Conditions:
Autosomal recessive nonsyndromic hearing loss 12. Also called: DEAFNESS, AUTOSOMAL RECESSIVE 12. Identifiers: Orphanet 90636, MedGen C1832394, MONDO:0011067, OMIM 601386.

Submissions (2):

Institute of Rare Diseases, West China Hospital, Sichuan University
Classification: Likely pathogenic for Autosomal recessive nonsyndromic hearing loss 12. Last evaluated: 2025-01-09. Review status: criteria provided, single submitter. Criteria: ClinGen HL ACMG Specifications v1. Collection method: research. Allele origin: germline. Affected: yes.
Comment: PM3;PP1;PM2_Supporting;PM4

GeneDx
Classification: Uncertain significance. Last evaluated: 2024-04-17. Review status: criteria provided, single submitter. Criteria: GeneDx Variant Classification Process June 2021. Collection method: clinical testing. Allele origin: germline. Affected: yes.
Comment: Not observed at significant frequency in large population cohorts (gnomAD); In-frame deletion of 1 amino acids in a non-repeat region; In silico analysis supports a deleterious effect on protein structure/function; Has not been previously published as pathogenic or benign to our knowledge